The following is an entry in ClinVar:

NM_000321.3(RB1):c.380+5A>G

Gene: RB1 (RB transcriptional corepressor 1; plus strand). Cytogenetic location: 13q14.2.
Variant type: single nucleotide variant.
Coding change: c.380+5A>G on transcript NM_000321.3 (MANE Select); 5 bases into the intron after coding-DNA position 380, A replaced by G.
Molecular consequence: intron variant.
Genome position (GRCh38, 1-based): chr13:48,342,719, A>G. VCF-style: chr13-48342719-A-G. GRCh37 (hg19) VCF-style: chr13-48916855-A-G.
Other names: c.380+5A>G (NM_001407165.1, NM_001407166.1).
Identifiers: ClinVar variation 4544356 (VCV004544356.1).

ClinVar aggregate classification (germline): Uncertain significance (1 of 4 stars; one submission).

Conditions:
Hereditary cancer-predisposing syndrome. Also called: Tumor predisposition; Hereditary Cancer Syndrome; Hereditary neoplastic syndrome; Neoplastic Syndromes, Hereditary. Identifiers: Orphanet 140162, MedGen C0027672, MeSH D009386, MONDO:0015356.

Submission:

Ambry Genetics
Classification: Uncertain significance for Hereditary cancer-predisposing syndrome. Last evaluated: 2025-12-05. Review status: criteria provided, single submitter. Criteria: Ambry Variant Classification Scheme 2023. Collection method: clinical testing. Allele origin: germline.
Comment: The c.380+5A>G intronic variant results from an A to G substitution 5 nucleotides after coding exon 3 in the RB1 gene. This nucleotide position is well conserved in available vertebrate species. In silico splice site analysis predicts that this alteration will not have any significant effect on splicing. Based on the available evidence, the clinical significance of this variant remains unclear.